The following is an entry in ClinVar:

NM_000069.3(CACNA1S):c.858C>T (p.Tyr286=)

Gene: CACNA1S (calcium voltage-gated channel subunit alpha1 S; minus strand). Cytogenetic location: 1q32.1.
Variant type: single nucleotide variant.
Coding change: c.858C>T on transcript NM_000069.3 (MANE Select); coding-DNA position 858, C replaced by T.
Protein change: p.Tyr286=; no amino-acid change (tyrosine 286 retained).
Molecular consequence: synonymous variant.
Genome position (GRCh38, 1-based): chr1:201,089,300, G>A on the plus strand (C>T on the coding strand, the complement: CACNA1S is on the minus strand). VCF-style: chr1-201089300-G-A. GRCh37 (hg19) VCF-style: chr1-201058428-G-A.
Other names: p.Tyr286=.
Identifiers: ClinVar variation 254854 (VCV000254854.29), dbSNP rs61734621, ClinGen allele CA084020.

ClinVar aggregate classification (germline): Benign/Likely benign. Review status: criteria provided, multiple submitters, no conflicts (2 of 4 stars). 16 submissions from 13 submitters: Benign (15); Likely benign (1). Last evaluated 2026-01-27.

Conditions:
Congenital myopathy 18. Also called: Myopathy, congenital, due to dihydropyridine receptor defect; DIHYDROPYRIDINE RECEPTOR CONGENITAL MYOPATHY; DHPR CONGENITAL MYOPATHY. Identifiers: MedGen C5830283, MONDO:0859514, OMIM 620246.
Hypokalemic periodic paralysis, type 1. Also called: Hypokalemic Periodic Paralysis Type 1 (AD); HypoPP. Identifiers: Orphanet 681, MedGen C3714580, MONDO:0042979, OMIM 170400.
Malignant hyperthermia, susceptibility to, 5 (MHS5). Also called: CACNA1S-Related Malignant Hyperthermia Susceptibility. Identifiers: Orphanet 423, MedGen C1866077, MONDO:0011163, OMIM 601887.
Thyrotoxic periodic paralysis, susceptibility to, 1 (TTPP1). Identifiers: Orphanet 79102, MedGen C2749982, MONDO:0008570, OMIM 188580.

Allele frequency attached by ClinVar (database versions not stated): gnomAD exomes 0.00236 and 0.00534; ExAC 0.00609; gnomAD 0.01545 and 0.01658; 1000 Genomes Project 0.01577; 1000 Genomes Project 30x 0.01655; ESP Exome Variant Server 0.01784; TOPMed 0.01789.
gnomAD v4.1: 6,027 of 1,614,250 alleles (0.37%); highest among the groups gnomAD compares: African/African-American, 5%; 104 homozygotes.

Submissions (16):

Labcorp Genetics (formerly Invitae), Labcorp
Classification: Benign for Hypokalemic periodic paralysis, type 1; Malignant hyperthermia, susceptibility to, 5. Last evaluated: 2026-01-27. Review status: criteria provided, single submitter. Criteria: Invitae Variant Classification Sherloc (09022015). Collection method: clinical testing. Allele origin: germline.

Athena Diagnostics
Classification: Benign. Last evaluated: 2025-07-18. Review status: criteria provided, single submitter. Criteria: Athena Diagnostics Criteria. Collection method: clinical testing. Allele origin: unknown.
Comment: The frequency of this variant in the general population is higher than would generally be expected for pathogenic variants in this gene. Computational tools yielded predictions that this variant is unlikely to have an effect on normal RNA splicing.

Blueprint Genetics
Classification: Likely benign. Last evaluated: 2024-11-13. Review status: criteria provided, single submitter. Criteria: ACMG Guidelines, 2015. Collection method: clinical testing. Allele origin: germline.

All of Us Research Program, National Institutes of Health
Classification: Benign for Malignant hyperthermia, susceptibility to, 5. Last evaluated: 2024-02-05. Review status: criteria provided, single submitter. Criteria: ACMG Guidelines, 2015. Collection method: clinical testing. Allele origin: germline. Inheritance: Autosomal dominant inheritance. Observed: 1,245 variant alleles, 1,228 heterozygotes, 17 homozygotes.
Comment: This study involves interpretation of variants in research participants for the purpose of population health screening. Participant phenotype was not available at the time of variant classification. Additional details can be found in publication PMID: 35346344, PMCID: PMC8962531

ARUP Laboratories, Molecular Genetics and Genomics, ARUP Laboratories
Classification: Benign. Last evaluated: 2023-10-06. Review status: criteria provided, single submitter. Criteria: ARUP Molecular Germline Variant Investigation Process 2024. Collection method: clinical testing. Allele origin: germline.

Genome-Nilou Lab
Classification: Benign for Malignant hyperthermia, susceptibility to, 5. Last evaluated: 2023-04-11. Review status: criteria provided, single submitter. Criteria: ACMG Guidelines, 2015. Collection method: clinical testing. Allele origin: germline. Affected: no.

Genome-Nilou Lab
Classification: Benign for Thyrotoxic periodic paralysis, susceptibility to, 1. Last evaluated: 2023-04-11. Review status: criteria provided, single submitter. Criteria: ACMG Guidelines, 2015. Collection method: clinical testing. Allele origin: germline. Affected: no.

Genome-Nilou Lab
Classification: Benign for Congenital myopathy 18. Last evaluated: 2023-04-11. Review status: criteria provided, single submitter. Criteria: ACMG Guidelines, 2015. Collection method: clinical testing. Allele origin: germline. Affected: no.

Genome-Nilou Lab
Classification: Benign for Hypokalemic periodic paralysis, type 1. Last evaluated: 2023-04-11. Review status: criteria provided, single submitter. Criteria: ACMG Guidelines, 2015. Collection method: clinical testing. Allele origin: germline. Affected: no.

Color Diagnostics, LLC DBA Color Health
Classification: Benign for Malignant hyperthermia, susceptibility to, 5. Last evaluated: 2022-08-17. Review status: criteria provided, single submitter. Criteria: ACMG Guidelines, 2015. Collection method: clinical testing. Allele origin: germline.

Fulgent Genetics
Classification: Benign for Hypokalemic periodic paralysis, type 1; Thyrotoxic periodic paralysis, susceptibility to, 1; Malignant hyperthermia, susceptibility to, 5. Last evaluated: 2022-04-14. Review status: criteria provided, single submitter. Criteria: ACMG Guidelines, 2015. Collection method: clinical testing. Allele origin: unknown.

Mayo Clinic Laboratories, Mayo Clinic
Classification: Benign. Last evaluated: 2021-01-20. Review status: criteria provided, single submitter. Criteria: ACMG Guidelines, 2015. Collection method: clinical testing. Allele origin: germline. Observed: 5 variant alleles.

Illumina Laboratory Services, Illumina
Classification: Benign for Hypokalemic periodic paralysis, type 1. Last evaluated: 2018-01-13. Review status: criteria provided, single submitter. Criteria: ICSL Variant Classification Criteria 13 December 2019. Collection method: clinical testing. Allele origin: germline.
Comment: This variant was observed in the ICSL laboratory as part of a predisposition screen in an ostensibly healthy population. It had not been previously curated by ICSL or reported in the Human Gene Mutation Database (HGMD: prior to June 1st, 2018), and was therefore a candidate for classification through an automated scoring system. Utilizing variant allele frequency, disease prevalence and penetrance estimates, and inheritance mode, an automated score was calculated to assess if this variant is too frequent to cause the disease. Based on the score and internal cut-off values, a variant classified as benign is not then subjected to further curation. The score for this variant resulted in a classification of benign for this disease.

GeneDx
Classification: Benign. Last evaluated: 2016-08-31. Review status: criteria provided, single submitter. Criteria: GeneDx Variant Classification (06012015). Collection method: clinical testing. Allele origin: germline. Affected: yes.
Comment: This variant is considered likely benign or benign based on one or more of the following criteria: it is a conservative change, it occurs at a poorly conserved position in the protein, it is predicted to be benign by multiple in silico algorithms, and/or has population frequency not consistent with disease.

Breakthrough Genomics
Classification: Benign. Review status: criteria provided, single submitter. Criteria: ACMG Guidelines, 2015. Collection method: not provided. Allele origin: germline. Inheritance: Autosomal dominant inheritance. Affected: yes.

PreventionGenetics, part of Exact Sciences
Classification: Benign. Review status: criteria provided, single submitter. Criteria: ACMG Guidelines, 2015. Collection method: clinical testing. Allele origin: germline.